The following is an entry in ClinVar:

NM_001845.6(COL4A1):c.1735G>A (p.Val579Ile)

Gene: COL4A1 (collagen type IV alpha 1 chain; minus strand). Cytogenetic location: 13q34.
Variant type: single nucleotide variant.
Coding change: c.1735G>A on transcript NM_001845.6 (MANE Select); coding-DNA position 1735, G replaced by A.
Protein change: p.Val579Ile; replaces valine 579 with isoleucine.
Molecular consequence: missense variant.
Genome position (GRCh38, 1-based): chr13:110,186,547, C>T on the plus strand (G>A on the coding strand, the complement: COL4A1 is on the minus strand). VCF-style: chr13-110186547-C-T. GRCh37 (hg19) VCF-style: chr13-110838894-C-T.
Other names: short protein forms V579I.
Identifiers: ClinVar variation 798195 (VCV000798195.16), dbSNP rs141527136, ClinGen allele CA7047836.

ClinVar aggregate classification (germline): Conflicting classifications of pathogenicity. Review status: criteria provided, conflicting classifications (1 of 4 stars). 7 submissions from 7 submitters: Uncertain significance (1); Likely benign (6). Last evaluated 2025-06-24.

Conditions:
Inborn genetic diseases. Identifiers: MedGen C0950123, MeSH D030342.

Allele frequency attached by ClinVar (database versions not stated): 1000 Genomes Project below 0.00001; gnomAD exomes 0.00002 and 0.00006; ExAC 0.00009; gnomAD 0.00030 and 0.00031; ESP Exome Variant Server 0.00031; TOPMed 0.00040.
gnomAD v4.1: 82 of 1,613,882 alleles (0.0051%); highest among the groups gnomAD compares: African/African-American, 0.1%; no homozygotes.

Submissions (7):

Labcorp Genetics (formerly Invitae), Labcorp
Classification: Likely benign. Last evaluated: 2025-06-24. Review status: criteria provided, single submitter. Criteria: Invitae Variant Classification Sherloc (09022015). Collection method: clinical testing. Allele origin: germline.

Women's Health and Genetics/Laboratory Corporation of America, LabCorp
Classification: Likely benign. Last evaluated: 2025-05-20. Review status: criteria provided, single submitter. Criteria: LabCorp Variant Classification Summary - May 2015. Collection method: clinical testing. Allele origin: germline.
Comment: Variant summary: COL4A1 c.1735G>A (p.Val579Ile) results in a conservative amino acid change in the encoded protein sequence. Algorithms developed to predict the effect of missense changes on protein structure and function all suggest that this variant is likely to be tolerated. The variant allele was found at a frequency of 5.1e-05 in 1613882 control chromosomes, predominantly at a frequency of 0.001 within the African or African-American subpopulation in the gnomAD database. The observed variant frequency within African or African-American control individuals in the gnomAD database exceeds the estimated maximal expected allele frequency for a pathogenic variant in COL4A1 causing Porencephaly 1 phenotype. To our knowledge, no occurrence of c.1735G>A in individuals affected with Porencephaly 1 and no experimental evidence demonstrating its impact on protein function have been reported. ClinVar contains an entry for this variant (Variation ID: 798195). Based on the evidence outlined above, the variant was classified as likely benign.

GeneDx
Classification: Uncertain significance. Last evaluated: 2024-12-07. Review status: criteria provided, single submitter. Criteria: GeneDx Variant Classification Process June 2021. Collection method: clinical testing. Allele origin: germline. Affected: yes.
Comment: Occurs in the triple helical domain at the Y position in the canonical Gly-X-Y repeat; although this variant may have an effect on normal protein folding and function, missense substitution at the Y position is not a common mechanism of disease (HGMD); In silico analysis indicates that this missense variant does not alter protein structure/function; Has not been previously published as pathogenic or benign to our knowledge

Revvity Omics, Revvity
Classification: Likely benign. Last evaluated: 2024-08-13. Review status: criteria provided, single submitter. Criteria: ACMG Guidelines, 2015. Collection method: clinical testing. Allele origin: germline.

Ambry Genetics
Classification: Likely benign for Inborn genetic diseases. Last evaluated: 2023-02-10. Review status: criteria provided, single submitter. Criteria: Ambry Variant Classification Scheme 2023. Collection method: clinical testing. Allele origin: germline.

Athena Diagnostics
Classification: Likely benign. Last evaluated: 2021-01-13. Review status: criteria provided, single submitter. Criteria: Athena Diagnostics criteria. Collection method: clinical testing. Allele origin: unknown.

Breakthrough Genomics
Classification: Likely benign. Review status: criteria provided, single submitter. Criteria: ACMG Guidelines, 2015. Collection method: not provided. Allele origin: germline. Inheritance: Autosomal dominant inheritance. Affected: yes.